The following is an entry in ClinVar:

NM_000038.6(APC):c.2897G>A (p.Ser966Asn)

Gene: APC (APC regulator of Wnt signaling pathway; plus strand). Cytogenetic location: 5q22.2.
Variant type: single nucleotide variant.
Coding change: c.2897G>A on transcript NM_000038.6 (MANE Select); coding-DNA position 2897, G replaced by A.
Protein change: p.Ser966Asn; replaces serine 966 with asparagine.
Molecular consequence: missense variant.
Genome position (GRCh38, 1-based): chr5:112,838,491, G>A. VCF-style: chr5-112838491-G-A. GRCh37 (hg19) VCF-style: chr5-112174188-G-A.
Other names: c.2897G>A, p.Ser966Asn (NM_001127510.3, NM_001354895.2, NM_001407450.1); c.2843G>A, p.Ser948Asn (NM_001127511.3); c.2951G>A, p.Ser984Asn (NM_001354896.2, NM_001407447.1, NM_001407448.1 and 1 more transcripts); c.2927G>A, p.Ser976Asn (NM_001354897.2); c.2822G>A, p.Ser941Asn (NM_001354898.2); c.2813G>A, p.Ser938Asn (NM_001354899.2); c.2774G>A, p.Ser925Asn (NM_001354900.2); c.2720G>A, p.Ser907Asn (NM_001354901.2, NM_001407453.1); and 11 more; short protein forms S941N, S994N, S683N, S840N, S883N, S966N, S865N, S875N.
Identifiers: ClinVar variation 1797364 (VCV001797364.7), dbSNP rs2149879712, ClinGen allele CA16027656.

ClinVar aggregate classification (germline): Uncertain significance. Review status: criteria provided, multiple submitters, no conflicts (2 of 4 stars). 2 submissions from 2 submitters: Uncertain significance (2). Last evaluated 2021-12-02.

Conditions:
Hereditary cancer-predisposing syndrome. Also called: Tumor predisposition; Hereditary Cancer Syndrome; Neoplastic Syndromes, Hereditary; Hereditary neoplastic syndrome. Identifiers: Orphanet 140162, MedGen C0027672, MeSH D009386, MONDO:0015356.
Familial adenomatous polyposis 1 (FAP1). Also called: FAMILIAL ADENOMATOUS POLYPOSIS 1, ATTENUATED; POLYPOSIS, ADENOMATOUS INTESTINAL. Identifiers: MedGen C2713442, MONDO:0021056, OMIM 175100. Disease mechanism: loss of function.

Submissions (2):

Labcorp Genetics (formerly Invitae), Labcorp
Classification: Uncertain significance for Familial adenomatous polyposis 1. Last evaluated: 2021-12-02. Review status: criteria provided, single submitter. Criteria: Invitae Variant Classification Sherloc (09022015). Collection method: clinical testing. Allele origin: germline.
Comment: In summary, the available evidence is currently insufficient to determine the role of this variant in disease. Therefore, it has been classified as a Variant of Uncertain Significance. Algorithms developed to predict the effect of missense changes on protein structure and function are either unavailable or do not agree on the potential impact of this missense change (SIFT: "Tolerated"; PolyPhen-2: "Probably Damaging"; Align-GVGD: "Class C0"). This variant has not been reported in the literature in individuals affected with APC-related conditions. This variant is not present in population databases (gnomAD no frequency). This sequence change replaces serine, which is neutral and polar, with asparagine, which is neutral and polar, at codon 966 of the APC protein (p.Ser966Asn).

Ambry Genetics
Classification: Uncertain significance for Hereditary cancer-predisposing syndrome. Last evaluated: 2020-03-17. Review status: criteria provided, single submitter. Criteria: Ambry Variant Classification Scheme 2023. Collection method: clinical testing. Allele origin: germline.
Comment: The p.S966N variant (also known as c.2897G>A), located in coding exon 15 of the APC gene, results from a G to A substitution at nucleotide position 2897. The serine at codon 966 is replaced by asparagine, an amino acid with highly similar properties. This amino acid position is highly conserved in available vertebrate species. In addition, in silico predictors for this gene do not accurately predict pathogenicity. Since supporting evidence is limited at this time, the clinical significance of this alteration remains unclear.